The following is an entry in ClinVar:

ClinVar aggregate classification (germline): Conflicting classifications of pathogenicity. Review status: criteria provided, conflicting classifications (1 of 4 stars). 4 submissions from 4 submitters: Uncertain significance (3); Likely benign (1). Last evaluated 2024-03-06.

Conditions:
Hereditary breast ovarian cancer syndrome. Also called: Hereditary breast and/or ovarian cancer syndrome; BRCA1- and BRCA2-Associated Hereditary Breast and Ovarian Cancer; Breast and ovarian cancer; Hereditary breast and ovarian cancer; Hereditary breast and ovarian cancer syndrome; Hereditary breast and ovarian cancer syndrome (HBOC). Identifiers: Orphanet 145, MedGen C0677776, MeSH D061325, MONDO:0003582. Disease mechanism: loss of function.
Hereditary cancer-predisposing syndrome. Also called: Hereditary neoplastic syndrome; Tumor predisposition; Hereditary Cancer Syndrome; Neoplastic Syndromes, Hereditary. Identifiers: Orphanet 140162, MedGen C0027672, MeSH D009386, MONDO:0015356.

Submissions (4):

Color Diagnostics, LLC DBA Color Health
Classification: Uncertain significance for Hereditary cancer-predisposing syndrome. Last evaluated: 2024-03-06. Review status: criteria provided, single submitter. Criteria: ACMG Guidelines, 2015. Collection method: clinical testing. Allele origin: germline.
Comment: This missense variant replaces serine with asparagine at codon 1242 of the BRCA2 protein. Computational prediction suggests that this variant may not impact protein structure and function (internally defined REVEL score threshold <= 0.5, PMID: 27666373). Splice site prediction tools suggest that this variant may not impact RNA splicing. To our knowledge, functional studies have not been performed for this variant. This variant has not been reported in individuals affected with hereditary cancer in the literature. This variant has not been identified in the general population by the Genome Aggregation Database (gnomAD). The available evidence is insufficient to determine the role of this variant in disease conclusively. Therefore, this variant is classified as a Variant of Uncertain Significance.

Ambry Genetics
Classification: Uncertain significance for Hereditary cancer-predisposing syndrome. Last evaluated: 2023-11-29. Review status: criteria provided, single submitter. Criteria: Ambry Variant Classification Scheme 2023. Collection method: clinical testing. Allele origin: germline.
Comment: The p.S1242N variant (also known as c.3725G>A), located in coding exon 10 of the BRCA2 gene, results from a G to A substitution at nucleotide position 3725. The serine at codon 1242 is replaced by asparagine, an amino acid with highly similar properties. This amino acid position is not well conserved in available vertebrate species. In addition, the in silico prediction for this alteration is inconclusive. Since supporting evidence is limited at this time, the clinical significance of this alteration remains unclear.

Labcorp Genetics (formerly Invitae), Labcorp
Classification: Uncertain significance for Hereditary breast ovarian cancer syndrome. Last evaluated: 2023-07-31. Review status: criteria provided, single submitter. Criteria: Invitae Variant Classification Sherloc (09022015). Collection method: clinical testing. Allele origin: germline.
Comment: Advanced modeling of protein sequence and biophysical properties (such as structural, functional, and spatial information, amino acid conservation, physicochemical variation, residue mobility, and thermodynamic stability) performed at Invitae indicates that this missense variant is not expected to disrupt BRCA2 protein function. In summary, the available evidence is currently insufficient to determine the role of this variant in disease. Therefore, it has been classified as a Variant of Uncertain Significance. ClinVar contains an entry for this variant (Variation ID: 491257). This variant has not been reported in the literature in individuals affected with BRCA2-related conditions. This variant is not present in population databases (gnomAD no frequency). This sequence change replaces serine, which is neutral and polar, with asparagine, which is neutral and polar, at codon 1242 of the BRCA2 protein (p.Ser1242Asn).

University of Washington Department of Laboratory Medicine, University of Washington
Classification: Likely benign for Hereditary cancer-predisposing syndrome. Last evaluated: 2023-03-23. Review status: criteria provided, single submitter. Criteria: Dines et al. (Genet Med. 2020). Collection method: curation. Allele origin: germline.
Comment: Missense variant in a coldspot region where missense variants are very unlikely to be pathogenic (PMID:31911673).

BRCA2 exon 11 coldspot. Reclassification based on statistical prior probability.

NM_000059.4(BRCA2):c.3725G>A (p.Ser1242Asn)

Gene: BRCA2 (BRCA2 DNA repair associated; plus strand). Cytogenetic location: 13q13.1.
Variant type: single nucleotide variant.
Coding change: c.3725G>A on transcript NM_000059.4 (MANE Select); coding-DNA position 3725, G replaced by A.
Protein change: p.Ser1242Asn; replaces serine 1242 with asparagine.
Molecular consequence: missense variant.
Genome position (GRCh38, 1-based): chr13:32,338,080, G>A. VCF-style: chr13-32338080-G-A. GRCh37 (hg19) VCF-style: chr13-32912217-G-A.
Other names: short protein forms S1242N.
Identifiers: ClinVar variation 491257 (VCV000491257.13), dbSNP rs1555283378, ClinGen allele CA387778095.